The following is an entry in ClinVar:

ClinVar aggregate classification (germline): Conflicting classifications of pathogenicity. Review status: criteria provided, conflicting classifications (1 of 4 stars). 5 submissions from 4 submitters: Uncertain significance (3); Likely benign (2). Last evaluated 2025-05-11.

Conditions:
Retinitis pigmentosa (RP). Identifiers: Orphanet 791, MedGen C0035334, MeSH D012174, MONDO:0019200, OMIM 268000. Inheritance: Autosomal dominant, autosomal recessive and X linked inheritance.
Inborn genetic diseases. Identifiers: MedGen C0950123, MeSH D030342.
Congenital stationary night blindness autosomal dominant 2. Also called: NIGHT BLINDNESS, CONGENITAL STATIONARY, RAMBUSCH TYPE. Identifiers: Orphanet 215, MedGen C1876182, MONDO:0008099, OMIM 163500.

Allele frequency attached by ClinVar (database versions not stated): gnomAD 0.00006; ExAC 0.00007; TOPMed 0.00010.
gnomAD v4.1: 125 of 1,613,870 alleles (0.0077%); highest among the groups gnomAD compares: East Asian, 0.018%; no homozygotes.

Submissions (5):

Labcorp Genetics (formerly Invitae), Labcorp
Classification: Uncertain significance. Last evaluated: 2025-05-11. Review status: criteria provided, single submitter. Criteria: Invitae Variant Classification Sherloc (09022015). Collection method: clinical testing. Allele origin: germline.
Comment: This sequence change replaces arginine, which is basic and polar, with histidine, which is basic and polar, at codon 20 of the PDE6B protein (p.Arg20His). This variant is present in population databases (rs781251175, gnomAD 0.04%). This variant has not been reported in the literature in individuals affected with PDE6B-related conditions. ClinVar contains an entry for this variant (Variation ID: 903660). An algorithm developed to predict the effect of missense changes on protein structure and function outputs the following: PolyPhen-2: "Benign". The histidine amino acid residue is found in multiple mammalian species, which suggests that this missense change does not adversely affect protein function. In summary, the available evidence is currently insufficient to determine the role of this variant in disease. Therefore, it has been classified as a Variant of Uncertain Significance.

Blueprint Genetics
Classification: Uncertain significance. Last evaluated: 2024-05-02. Review status: criteria provided, single submitter. Criteria: ACMG Guidelines, 2015. Collection method: clinical testing. Allele origin: germline.

Ambry Genetics
Classification: Likely benign for Inborn genetic diseases. Last evaluated: 2023-09-26. Review status: criteria provided, single submitter. Criteria: Ambry Variant Classification Scheme 2023. Collection method: clinical testing. Allele origin: germline.

Illumina Laboratory Services, Illumina
Classification: Uncertain significance for Retinitis pigmentosa. Last evaluated: 2018-01-13. Review status: criteria provided, single submitter. Criteria: ICSL Variant Classification Criteria 13 December 2019. Collection method: clinical testing. Allele origin: germline.

Illumina Laboratory Services, Illumina
Classification: Likely benign for Congenital stationary night blindness autosomal dominant 2. Last evaluated: 2018-01-13. Review status: criteria provided, single submitter. Criteria: ICSL Variant Classification Criteria 13 December 2019. Collection method: clinical testing. Allele origin: germline.
Comment: This variant was observed in the ICSL laboratory as part of a predisposition screen in an ostensibly healthy population. It had not been previously curated by ICSL or reported in the Human Gene Mutation Database (HGMD: prior to June 1st, 2018), and was therefore a candidate for classification through an automated scoring system. Utilizing variant allele frequency, disease prevalence and penetrance estimates, and inheritance mode, an automated score was calculated to assess if this variant is too frequent to cause the disease. Based on the score and internal cut-off values, a variant classified as likely benign is not then subjected to further curation. The score for this variant resulted in a classification of likely benign for this disease.

NM_000283.4(PDE6B):c.59G>A (p.Arg20His)

Gene: PDE6B (phosphodiesterase 6B; plus strand). Cytogenetic location: 4p16.3.
Variant type: single nucleotide variant.
Coding change: c.59G>A on transcript NM_000283.4 (MANE Select); coding-DNA position 59, G replaced by A.
Protein change: p.Arg20His; replaces arginine 20 with histidine.
Molecular consequence: missense variant.
Genome position (GRCh38, 1-based): chr4:625,685, G>A. VCF-style: chr4-625685-G-A. GRCh37 (hg19) VCF-style: chr4-619474-G-A.
Other names: c.59G>A, p.Arg20His (NM_001145291.2); short protein forms R20H.
Identifiers: ClinVar variation 903660 (VCV000903660.12), dbSNP rs781251175, ClinGen allele CA2793834.